The following is an entry in ClinVar:

ClinVar aggregate classification (germline): Pathogenic (1 of 4 stars; one submission).

Conditions:
Neurofibromatosis, type 1 (NF1). Also called: VON RECKLINGHAUSEN DISEASE; Neurofibromatosis, type I; Peripheral type neurofibromatosis; NEUROFIBROMATOSIS, TYPE I, SOMATIC. Identifiers: Orphanet 636, MedGen C0027831, MONDO:0018975, OMIM 162200. Disease mechanism: loss of function.

Submission:

Labcorp Genetics (formerly Invitae), Labcorp
Classification: Pathogenic for Neurofibromatosis, type 1. Last evaluated: 2023-03-31. Review status: criteria provided, single submitter. Criteria: Invitae Variant Classification Sherloc (09022015). Collection method: clinical testing. Allele origin: germline.
Comment: This sequence change creates a premature translational stop signal (p.Gly1128Valfs*14) in the NF1 gene. It is expected to result in an absent or disrupted protein product. Loss-of-function variants in NF1 are known to be pathogenic (PMID: 10712197, 23913538). For these reasons, this variant has been classified as Pathogenic. This variant has not been reported in the literature in individuals affected with NF1-related conditions. This variant is not present in population databases (gnomAD no frequency).

Literature cited by the submitters: PubMed 10712197; PubMed 23913538.

NM_001042492.3(NF1):c.3383del (p.Gly1128fs)

Gene: NF1 (neurofibromin 1; plus strand). Cytogenetic location: 17q11.2.
Variant type: Deletion.
Coding change: c.3383del on transcript NM_001042492.3 (MANE Select); coding-DNA position 3383, one base deleted (G; older notation c.3383delG).
Protein change: p.Gly1128fs; shifts the reading frame from glycine 1128.
Molecular consequence: frameshift variant.
Genome position (GRCh38, 1-based): chr17:31,232,768, G deleted; the last of 2 consecutive G bases (chr17:31,232,767-31,232,768); deleting either gives the same sequence. VCF-style (leftmost placement, unchanged base first): chr17-31232766-AG-A. GRCh37 (hg19) VCF-style: chr17-29559784-AG-A.
Other names: c.3383delG, p.Gly1128Valfs (NM_000267.4); short protein forms G1128fs.
Identifiers: ClinVar variation 2851101 (VCV002851101.3), dbSNP rs2508231517, ClinGen allele CA2739267370.
Genomic context (GRCh38, chr17:31,232,766, plus strand): 5'-CACATTATTTATGAACCTTTTGAATGACTGCAGTGAAGTTGAAGATGAAAGTGCGCAAAC[AG>A]GTGGCAGGAAACGTGGCATGTCTCGGAGGCTGGCATCACTGAGGCACTGTACGGTCCTTG-3'